The following is an entry in ClinVar:

ClinVar aggregate classification (germline): Uncertain significance (1 of 4 stars; one submission).

Conditions:
Landau-Kleffner syndrome (FESD). Also called: EPILEPSY, FOCAL, WITH SPEECH DISORDER AND WITH OR WITHOUT MENTAL RETARDATION; APHASIA, ACQUIRED, WITH EPILEPSY. Identifiers: Orphanet 1945, Orphanet 725, Orphanet 98818, MedGen C0282512, MONDO:0009509, OMIM 245570.

Submission:

Labcorp Genetics (formerly Invitae), Labcorp
Classification: Uncertain significance for Landau-Kleffner syndrome. Last evaluated: 2023-05-30. Review status: criteria provided, single submitter. Criteria: Invitae Variant Classification Sherloc (09022015). Collection method: clinical testing. Allele origin: germline.
Comment: In summary, the available evidence is currently insufficient to determine the role of this variant in disease. Therefore, it has been classified as a Variant of Uncertain Significance. Advanced modeling of protein sequence and biophysical properties (such as structural, functional, and spatial information, amino acid conservation, physicochemical variation, residue mobility, and thermodynamic stability) performed at Invitae indicates that this missense variant is not expected to disrupt GRIN2A protein function. This variant has not been reported in the literature in individuals affected with GRIN2A-related conditions. This variant is not present in population databases (gnomAD no frequency). This sequence change replaces glutamine, which is neutral and polar, with glutamic acid, which is acidic and polar, at codon 106 of the GRIN2A protein (p.Gln106Glu).

NM_001134407.3(GRIN2A):c.316C>G (p.Gln106Glu)

Gene: GRIN2A (glutamate ionotropic receptor NMDA type subunit 2A; minus strand). Cytogenetic location: 16p13.2.
Variant type: single nucleotide variant.
Coding change: c.316C>G on transcript NM_001134407.3 (MANE Select); coding-DNA position 316, C replaced by G.
Protein change: p.Gln106Glu; replaces glutamine 106 with glutamic acid.
Molecular consequence: missense variant.
Genome position (GRCh38, 1-based): chr16:10,180,096, G>C on the plus strand (C>G on the coding strand, the complement: GRIN2A is on the minus strand). VCF-style: chr16-10180096-G-C. GRCh37 (hg19) VCF-style: chr16-10273953-G-C.
Other names: c.316C>G, p.Gln106Glu (NM_000833.5, NM_001134408.2); short protein forms Q106E.
Identifiers: ClinVar variation 2857068 (VCV002857068.3), dbSNP rs1555491453, ClinGen allele CA394715282.
Genomic context (GRCh38, chr16:10,180,096, plus strand): 5'-CCAAGATGGGGACGAAGGTGTGGGAGGAGATAAAATCCAGCATCTGGGCTACGGCCTCCT[G>C]GTCCGTGTCGTCCCCAAACACGAGGCCGTGGATGCGTGCCCCGGACATGAGGTCGCACAC-3'
Protein context (NP_001127879.1, residues 96-116): HGLVFGDDTD[Gln106Glu]EAVAQMLDFI